The following is an entry in ClinVar:

ClinVar aggregate classification (germline): Uncertain significance. Review status: criteria provided, multiple submitters, no conflicts (2 of 4 stars). 3 submissions from 3 submitters: Uncertain significance (3). Last evaluated 2025-08-26.

Conditions:
Inborn genetic diseases. Identifiers: MedGen C0950123, MeSH D030342.
TRRAP-related disorder. Also called: TRRAP-related condition.

Allele frequency attached by ClinVar (database versions not stated): TOPMed below 0.00001; ExAC 0.00001; gnomAD 0.00001; gnomAD exomes 0.00004.
gnomAD v4.1: 57 of 1,613,990 alleles (0.0035%); highest among the groups gnomAD compares: Non-Finnish European, 0.0048%; no homozygotes.

Submissions (3):

Ambry Genetics
Classification: Uncertain significance for Inborn genetic diseases. Last evaluated: 2025-08-26. Review status: criteria provided, single submitter. Criteria: Ambry Variant Classification Scheme 2023. Collection method: clinical testing. Allele origin: germline.

Women's Health and Genetics/Laboratory Corporation of America, LabCorp
Classification: Uncertain significance. Last evaluated: 2023-09-07. Review status: criteria provided, single submitter. Criteria: LabCorp Variant Classification Summary - May 2015. Collection method: clinical testing. Allele origin: germline.
Comment: Variant summary: TRRAP c.619A>G (p.Ser207Gly) results in a non-conservative amino acid change in the encoded protein sequence. Three of five in-silico tools predict a damaging effect of the variant on protein function. The variant allele was found at a frequency of 1.2e-05 in 251418 control chromosomes (gnomAD). The available data on variant occurrences in the general population are insufficient to allow any conclusion about variant significance. To our knowledge, no occurrence of c.619A>G in individuals affected with Developmental Delay With Or Without Dysmorphic Facies And Autism and no experimental evidence demonstrating its impact on protein function have been reported. No submitters have cited clinical-significance assessments for this variant to ClinVar after 2014. Based on the evidence outlined above, the variant was classified as uncertain significance.

PreventionGenetics, part of Exact Sciences
Classification: Uncertain significance for TRRAP-related condition. Last evaluated: 2023-03-06. Review status: criteria provided, single submitter. Criteria: ACMG Guidelines, 2015. Collection method: clinical testing. Allele origin: germline.
Comment: The TRRAP c.619A>G variant is predicted to result in the amino acid substitution p.Ser207Gly. To our knowledge, this variant has not been reported in the literature. This variant is reported in 0.0026% of alleles in individuals of European (Non-Finnish) descent in gnomAD. At this time, the clinical significance of this variant is uncertain due to the absence of conclusive functional and genetic evidence.

NM_001375524.1(TRRAP):c.619A>G (p.Ser207Gly)

Gene: TRRAP (transformation/transcription domain associated protein; plus strand). Cytogenetic location: 7q22.1.
Variant type: single nucleotide variant.
Coding change: c.619A>G on transcript NM_001375524.1 (MANE Select); coding-DNA position 619, A replaced by G.
Protein change: p.Ser207Gly; replaces serine 207 with glycine.
Molecular consequence: missense variant.
Genome position (GRCh38, 1-based): chr7:98,897,852, A>G. VCF-style: chr7-98897852-A-G. GRCh37 (hg19) VCF-style: chr7-98495475-A-G.
Other names: c.619A>G, p.Ser207Gly (NM_003496.4, NM_001244580.2); c.619A>G (NM_001244580.1); short protein forms S207G.
Identifiers: ClinVar variation 2627150 (VCV002627150.3), dbSNP rs782596973, ClinGen allele CA4359298.